The following is an entry in ClinVar:

NM_000487.6(ARSA):c.847G>A (p.Asp283Asn)

Gene: ARSA (arylsulfatase A; minus strand). Cytogenetic location: 22q13.33.
Variant type: single nucleotide variant.
Coding change: c.847G>A on transcript NM_000487.6 (MANE Select); coding-DNA position 847, G replaced by A.
Protein change: p.Asp283Asn; replaces aspartic acid 283 with asparagine.
Molecular consequence: missense variant.
Genome position (GRCh38, 1-based): chr22:50,626,598, C>T on the plus strand (G>A on the coding strand, the complement: ARSA is on the minus strand). VCF-style: chr22-50626598-C-T. GRCh37 (hg19) VCF-style: chr22-51065026-C-T.
Other names: c.847G>A, p.Asp283Asn (NM_001085425.3, NM_001085426.3, NM_001085427.3); c.589G>A, p.Asp197Asn (NM_001085428.3, NM_001362782.2); short protein forms D197N, D283N.
Identifiers: ClinVar variation 4818453 (VCV004818453.1).

ClinVar aggregate classification (germline): Pathogenic (1 of 4 stars; one submission).

Conditions:
Metachromatic leukodystrophy (MLD). Also called: ARSA DEFICIENCY; CEREBROSIDE SULFATASE DEFICIENCY; Arylsulfatase A Deficiency; METACHROMATIC LEUKOENCEPHALOPATHY; SULFATIDE LIPIDOSIS; Cerebral sclerosis diffuse metachromatic form. Identifiers: Orphanet 512, MedGen C0023522, MONDO:0018868, OMIM 250100.

Submission:

Natera, Inc.
Classification: Pathogenic for Metachromatic leukodystrophy. Last evaluated: 2025-11-21. Review status: criteria provided, single submitter. Criteria: Natera Variant Classification Schema (03/2026). Collection method: clinical testing. Allele origin: germline.
Comment: The c.847G>A variant in ARSA is a missense variant predicted to cause substitution of aspartic acid to asparagine at amino acid 283. This variant is rare in the general population with a frequency below the threshold expected for the associated phenotype(s). This variant has been observed in one or more individuals affected with the associated recessive disease, as either homozygous or compound heterozygous with a second variant (PMID: 31694723). Functional studies show that this variant may disrupt protein function (PMID: 10212197). A different variant at the same position has been determined to be Pathogenic or Likely Pathogenic. Computational prediction algorithms indicate this variant is likely to affect gene or protein function. Given the available evidence, this variant is classified as Pathogenic.

Literature cited by the submitters: PubMed 31694723; PubMed 10212197.